The following is an entry in ClinVar:

ClinVar aggregate classification (germline): Uncertain significance (1 of 4 stars; one submission).

Conditions:
PCNT-related disorder. Also called: PCNT-related condition.

gnomAD v4.1: 6 of 1,614,066 alleles (0.00037%); highest among the groups gnomAD compares: Admixed American, 0.0067%; no homozygotes.

Submission:

PreventionGenetics, part of Exact Sciences
Classification: Uncertain significance for PCNT-related condition. Last evaluated: 2026-06-19. Review status: criteria provided, single submitter. Criteria: ACMG Guidelines, 2015. Collection method: clinical testing. Allele origin: germline.
Comment: The PCNT c.3790A>C variant is predicted to result in the amino acid substitution p.Ser1264Arg. To our knowledge, this variant has not been reported in the literature. This variant is reported in 0.012% of alleles in individuals of Latino descent in gnomAD. At this time, the clinical significance of this variant is uncertain due to the absence of conclusive functional and genetic evidence.

NM_006031.6(PCNT):c.3790A>C (p.Ser1264Arg)

Gene: PCNT (pericentrin; plus strand). Cytogenetic location: 21q22.3.
Variant type: single nucleotide variant.
Coding change: c.3790A>C on transcript NM_006031.6 (MANE Select); coding-DNA position 3790, A replaced by C.
Protein change: p.Ser1264Arg; replaces serine 1264 with arginine.
Molecular consequence: missense variant.
Genome position (GRCh38, 1-based): chr21:46,389,381, A>C. VCF-style: chr21-46389381-A-C. GRCh37 (hg19) VCF-style: chr21-47809296-A-C.
Other names: c.3436A>C, p.Ser1146Arg (NM_001315529.2); short protein forms S1146R, S1264R.
Identifiers: ClinVar variation 3350936 (VCV003350936.2).
Genomic context (GRCh38, chr21:46,389,381, plus strand): 5'-ATGAGCCCAGAAAGTGTGCGGGAGTGTGAGCAGCCCATCCGGAGGGTCTTCCAGAGCCTC[A>C]GCCTGGCCGTGGACGGCCTCATGGAGATGGCCCTGGACTCCAGCAGGCAGGTGAGGCCCA-3'
Protein context (NP_006022.3, residues 1254-1274): QPIRRVFQSL[Ser1264Arg]LAVDGLMEMA